The following is an entry in ClinVar:

NM_001042492.3(NF1):c.7036G>T (p.Asp2346Tyr)

Gene: NF1 (neurofibromin 1; plus strand). Cytogenetic location: 17q11.2.
Variant type: single nucleotide variant.
Coding change: c.7036G>T on transcript NM_001042492.3 (MANE Select); coding-DNA position 7036, G replaced by T.
Protein change: p.Asp2346Tyr; replaces aspartic acid 2346 with tyrosine.
Molecular consequence: missense variant.
Genome position (GRCh38, 1-based): chr17:31,340,619, G>T. VCF-style: chr17-31340619-G-T. GRCh37 (hg19) VCF-style: chr17-29667637-G-T.
Other names: c.6973G>T, p.Asp2325Tyr (NM_000267.4); short protein forms D2325Y, D2346Y.
Identifiers: ClinVar variation 1756391 (VCV001756391.3), dbSNP rs2069793959, ClinGen allele CA399015144.
Genomic context (GRCh38, chr17:31,340,619, plus strand): 5'-GATGAGGTCAACTTGTATTCAGCAGGTACCGCACTTCTTGAACAAAACCTGCATACTTTA[G>T]ATAGTCTCCGTATATTCAATGACAAGGTAAGCAAACTTTGCCTTGAGGTTCCTAGATTAC-3'
Protein context (NP_001035957.1, residues 2336-2356): ALLEQNLHTL[Asp2346Tyr]SLRIFNDKSP

ClinVar aggregate classification (germline): Uncertain significance (1 of 4 stars; one submission).

Conditions:
Cardiovascular phenotype. Identifiers: MedGen CN230736.
Hereditary cancer-predisposing syndrome. Also called: Neoplastic Syndromes, Hereditary; Tumor predisposition; Hereditary Cancer Syndrome; Hereditary neoplastic syndrome. Identifiers: Orphanet 140162, MedGen C0027672, MeSH D009386, MONDO:0015356.

Submission:

Ambry Genetics
Classification: Uncertain significance for Cardiovascular phenotype; Hereditary cancer-predisposing syndrome. Last evaluated: 2024-09-09. Review status: criteria provided, single submitter. Criteria: Ambry Variant Classification Scheme 2023. Collection method: clinical testing. Allele origin: germline.
Comment: The p.D2325Y variant (also known as c.6973G>T), located in coding exon 46 of the NF1 gene, results from a G to T substitution at nucleotide position 6973. The aspartic acid at codon 2325 is replaced by tyrosine, an amino acid with highly dissimilar properties. This amino acid position is highly conserved in available vertebrate species. In addition, this alteration is predicted to be deleterious by in silico analysis. Based on the available evidence, the clinical significance of this variant remains unclear.